The following is an entry in ClinVar:

ClinVar aggregate classification (germline): Uncertain significance (1 of 4 stars; one submission).

Conditions:
Inborn genetic diseases. Identifiers: MedGen C0950123, MeSH D030342.

Allele frequency attached by ClinVar (database versions not stated): TOPMed below 0.00001.

Submission:

Ambry Genetics
Classification: Uncertain significance for Inborn genetic diseases. Last evaluated: 2022-10-09. Review status: criteria provided, single submitter. Criteria: Ambry Variant Classification Scheme 2023. Collection method: clinical testing. Allele origin: germline.
Comment: The p.D963V variant (also known as c.2888A>T), located in coding exon 24 of the ABCC8 gene, results from an A to T substitution at nucleotide position 2888. The aspartic acid at codon 963 is replaced by valine, an amino acid with highly dissimilar properties. This amino acid position is conserved. In addition, the in silico prediction for this alteration is inconclusive. Since supporting evidence is limited at this time, the clinical significance of this alteration remains unclear.

NM_000352.6(ABCC8):c.2888A>T (p.Asp963Val)

Gene: ABCC8 (ATP binding cassette subfamily C member 8; minus strand). Cytogenetic location: 11p15.1.
Variant type: single nucleotide variant.
Coding change: c.2888A>T on transcript NM_000352.6 (MANE Select); coding-DNA position 2888, A replaced by T.
Protein change: p.Asp963Val; replaces aspartic acid 963 with valine.
Molecular consequence: missense variant. On other transcripts: non-coding transcript variant (1).
Genome position (GRCh38, 1-based): chr11:17,407,386, T>A on the plus strand (A>T on the coding strand, the complement: ABCC8 is on the minus strand). VCF-style: chr11-17407386-T-A. GRCh37 (hg19) VCF-style: chr11-17428933-T-A.
Other names: c.2891A>T, p.Asp964Val (NM_001287174.3); c.2954A>T, p.Asp985Val (NM_001351295.2); c.2888A>T, p.Asp963Val (NM_001351296.2); c.2885A>T, p.Asp962Val (NM_001351297.2); short protein forms D962V, D963V, D964V, D985V.
Identifiers: ClinVar variation 1797243 (VCV001797243.2), dbSNP rs538013271, ClinGen allele CA379804670.